The following is an entry in ClinVar:

NM_020458.4(TTC7A):c.1978A>T (p.Met660Leu)

Gene: TTC7A (tetratricopeptide repeat domain 7A; plus strand). Cytogenetic location: 2p21.
Variant type: single nucleotide variant.
Coding change: c.1978A>T on transcript NM_020458.4 (MANE Select); coding-DNA position 1978, A replaced by T.
Protein change: p.Met660Leu; replaces methionine 660 with leucine.
Molecular consequence: missense variant.
Genome position (GRCh38, 1-based): chr2:47,050,007, A>T. VCF-style: chr2-47050007-A-T. GRCh37 (hg19) VCF-style: chr2-47277146-A-T.
Other names: c.2050A>T, p.Met684Leu (NM_001288951.2); c.1876A>T, p.Met626Leu (NM_001288953.2); c.916A>T, p.Met306Leu (NM_001288955.2); short protein forms M306L, M626L, M660L, M684L.
Identifiers: ClinVar variation 1163795 (VCV001163795.8), dbSNP rs375666264, ClinGen allele CA46625618.

ClinVar aggregate classification (germline): Uncertain significance. Review status: criteria provided, multiple submitters, no conflicts (2 of 4 stars). 2 submissions from 2 submitters: Uncertain significance (2). Last evaluated 2023-07-17.

Conditions:
Multiple gastrointestinal atresias. Also called: Multiple intestinal atresia; FAMILIAL INTESTINAL POLYATRESIA SYNDROME. Identifiers: Orphanet 2300, MedGen C0220744, MONDO:0009465.

Allele frequency attached by ClinVar (database versions not stated): gnomAD exomes below 0.00001 and 0.00002.
gnomAD v4.1: 8 of 1,614,184 alleles (0.0005%); highest among the groups gnomAD compares: East Asian, 0.0045%; no homozygotes.

Submissions (2):

Labcorp Genetics (formerly Invitae), Labcorp
Classification: Uncertain significance for Multiple gastrointestinal atresias. Last evaluated: 2023-07-17. Review status: criteria provided, single submitter. Criteria: Invitae Variant Classification Sherloc (09022015). Collection method: clinical testing. Allele origin: germline.
Comment: Advanced modeling of protein sequence and biophysical properties (such as structural, functional, and spatial information, amino acid conservation, physicochemical variation, residue mobility, and thermodynamic stability) performed at Invitae indicates that this missense variant is not expected to disrupt TTC7A protein function. In summary, the available evidence is currently insufficient to determine the role of this variant in disease. Therefore, it has been classified as a Variant of Uncertain Significance. ClinVar contains an entry for this variant (Variation ID: 1163795). This variant has not been reported in the literature in individuals affected with TTC7A-related conditions. This variant is present in population databases (rs375666264, gnomAD 0.01%). This sequence change replaces methionine, which is neutral and non-polar, with leucine, which is neutral and non-polar, at codon 660 of the TTC7A protein (p.Met660Leu).

Mayo Clinic Laboratories, Mayo Clinic
Classification: Uncertain significance. Last evaluated: 2020-11-24. Review status: criteria provided, single submitter. Criteria: ACMG Guidelines, 2015. Collection method: clinical testing. Allele origin: germline. Observed: 1 variant allele.